The following is an entry in ClinVar:

ClinVar aggregate classification (germline): Uncertain significance (1 of 4 stars; one submission).

gnomAD v4.1: 4 of 1,613,172 alleles (0.00025%); highest among the groups gnomAD compares: Non-Finnish European, 0.00034%; no homozygotes.

Submission:

Women's Health and Genetics/Laboratory Corporation of America, LabCorp
Classification: Uncertain significance. Last evaluated: 2024-08-02. Review status: criteria provided, single submitter. Criteria: LabCorp Variant Classification Summary - May 2015. Collection method: clinical testing. Allele origin: germline.
Comment: Variant summary: PAK1 c.959G>A (p.Arg320Lys) results in a conservative amino acid change located in the protein kinase domain (IPR000719) of the encoded protein sequence. Four of five in-silico tools predict a benign effect of the variant on protein function. The variant was absent in 251256 control chromosomes. The available data on variant occurrences in the general population are insufficient to allow any conclusion about variant significance. To our knowledge, no occurrence of c.959G>A in individuals affected with Intellectual Developmental Disorder With Macrocephaly, Seizures, And Speech Delay and no experimental evidence demonstrating its impact on protein function have been reported. No submitters have cited clinical-significance assessments for this variant to ClinVar. Based on the evidence outlined above, the variant was classified as uncertain significance.

NM_002576.5(PAK1):c.959G>A (p.Arg320Lys)

Gene: PAK1 (p21 (RAC1) activated kinase 1; minus strand). Cytogenetic location: 11q13.5.
Variant type: single nucleotide variant.
Coding change: c.959G>A on transcript NM_002576.5 (MANE Select); coding-DNA position 959, G replaced by A.
Protein change: p.Arg320Lys; replaces arginine 320 with lysine.
Molecular consequence: missense variant. On other transcripts: non-coding transcript variant (2), intron variant (1).
Genome position (GRCh38, 1-based): chr11:77,343,858, C>T on the plus strand (G>A on the coding strand, the complement: PAK1 is on the minus strand). VCF-style: chr11-77343858-C-T. GRCh37 (hg19) VCF-style: chr11-77054903-C-T.
Other names: c.959G>A, p.Arg320Lys (NM_001128620.2, NM_001376268.1, NM_001376269.1 and 23 more transcripts); c.980G>A, p.Arg327Lys (NM_001376272.1); c.950G>A, p.Arg317Lys (NM_001376294.1); c.710G>A, p.Arg237Lys (NM_001376301.1); c.665G>A, p.Arg222Lys (NM_001376302.1, NM_001376304.1, NM_001376305.1); c.671G>A, p.Arg224Lys (NM_001376303.1); c.822-3095G>A (NM_001376295.1); short protein forms R222K, R224K, R237K, R317K, R320K, R327K.
Identifiers: ClinVar variation 3366528 (VCV003366528.1).